The following is an entry in ClinVar:

NM_022051.3(EGLN1):c.818T>A (p.Met273Lys)

Genes: EGLN1 (egl-9 family hypoxia inducible factor 1; minus strand), LOC129932769 (ATAC-STARR-seq lymphoblastoid active region 2730; plus strand). Cytogenetic location: 1q42.2.
Variant type: single nucleotide variant.
Coding change: c.818T>A on transcript NM_022051.3 (MANE Select); coding-DNA position 818, T replaced by A.
Protein change: p.Met273Lys; replaces methionine 273 with lysine.
Molecular consequence: missense variant.
Genome position (GRCh38, 1-based): chr1:231,421,071, A>T on the plus strand (T>A on the coding strand, the complement: EGLN1 is on the minus strand). VCF-style: chr1-231421071-A-T. GRCh37 (hg19) VCF-style: chr1-231556817-A-T.
Other names: c.818T>A, p.Met273Lys (NM_001377260.1, NM_001377261.1); short protein forms M273K.
Identifiers: ClinVar variation 3227746 (VCV003227746.1), dbSNP rs2527358454, ClinGen allele CA345235063.

ClinVar aggregate classification (germline): Uncertain significance (1 of 4 stars; one submission).

Submission:

Ambry Genetics
Classification: Uncertain significance. Last evaluated: 2024-03-13. Review status: criteria provided, single submitter. Criteria: Ambry Variant Classification Scheme 2023. Collection method: clinical testing. Allele origin: germline.
Comment: The p.M273K variant (also known as c.818T>A), located in coding exon 1 of the EGLN1 gene, results from a T to A substitution at nucleotide position 818. The methionine at codon 273 is replaced by lysine, an amino acid with similar properties. This amino acid position is conserved. In addition, this alteration is predicted to be deleterious by in silico analysis. Based on the available evidence, the clinical significance of this alteration remains unclear.